The following is an entry in ClinVar:

NM_000128.4(F11):c.755+2T>C

Gene: F11 (coagulation factor XI; plus strand). Cytogenetic location: 4q35.2.
Variant type: single nucleotide variant.
Coding change: c.755+2T>C on transcript NM_000128.4 (MANE Select); the canonical splice donor site of the intron after coding-DNA position 755, T replaced by C.
Molecular consequence: splice donor variant.
Genome position (GRCh38, 1-based): chr4:186,276,392, T>C. VCF-style: chr4-186276392-T-C. GRCh37 (hg19) VCF-style: chr4-187197546-T-C.
Identifiers: ClinVar variation 552888 (VCV000552888.10), dbSNP rs1220869989, ClinGen allele CA358959475.

ClinVar aggregate classification (germline): Pathogenic. Review status: criteria provided, multiple submitters, no conflicts (2 of 4 stars). 4 submissions from 4 submitters: Pathogenic (3). 1 of the submissions does not count toward it. Last evaluated 2022-12-10.

Conditions:
F11-related disorder. Also called: F11-related condition.
Hereditary factor XI deficiency disease. Also called: Congenital factor XI deficiency; PLASMA THROMBOPLASTIN ANTECEDENT DEFICIENCY; PTA DEFICIENCY; ROSENTHAL SYNDROME. Identifiers: Orphanet 329, MedGen C0015523, MeSH D005173, MONDO:0012897, OMIM 612416.

Allele frequency attached by ClinVar (database versions not stated): TOPMed below 0.00001; gnomAD 0.00001; gnomAD exomes 0.00001.
gnomAD v4.1: 9 of 1,613,854 alleles (0.00056%); highest among the groups gnomAD compares: Non-Finnish European, 0.00076%; no homozygotes.

Submissions (4):

PreventionGenetics, part of Exact Sciences
Classification: Pathogenic for F11-related condition. Last evaluated: 2022-12-10. Review status: criteria provided, single submitter. Criteria: ACMG Guidelines, 2015. Collection method: clinical testing. Allele origin: germline.
Comment: The F11 c.755+2T>C variant is predicted to disrupt the GT donor site and interfere with normal splicing. This variant has been reported in the heterozygous state in two individuals and interpreted as pathogenic in a cohort study of patients with bleeding disorders (Downes et al. 2019. PubMed ID: 31064749. Suppl3_SNV+INDEL). This variant has not been reported in a large population database, indicating this variant is rare. Variants that disrupt the consensus splice donor site in F11 are expected to be pathogenic. This variant is interpreted as pathogenic.

Mayo Clinic Laboratories, Mayo Clinic
Classification: Pathogenic. Last evaluated: 2021-07-13. Review status: criteria provided, single submitter. Criteria: ACMG Guidelines, 2015. Collection method: clinical testing. Allele origin: germline.
Comment: PVS1, PM2, PS4_Moderate

NIHR Bioresource Rare Diseases, University of Cambridge
Classification: Pathogenic for Hereditary factor XI deficiency disease. Last evaluated: 2019-02-01. Review status: criteria provided, single submitter. Criteria: ACMG Guidelines, 2015. Collection method: research. Allele origin: unknown. Affected: yes. Observed: 2 heterozygotes. Study: ThromboGenomics.

Counsyl
Classification: Likely pathogenic for Hereditary factor XI deficiency disease. Last evaluated: 2017-07-17. Review status: no assertion criteria provided. Collection method: clinical testing. Allele origin: unknown. Not counted in ClinVar's aggregate classification.

Literature cited by the submitters: PubMed 31064749 (cited by Mayo Clinic Laboratories, Mayo Clinic and NIHR Bioresource Rare Diseases, University of Cambridge); PubMed 32596782 (cited by Mayo Clinic Laboratories, Mayo Clinic).